The following is an entry in ClinVar:

ClinVar aggregate classification (germline): Likely benign (0 of 4 stars; one submission).

Conditions:
BLTP1-related disorder. Also called: BLTP1-related condition.

Allele frequency attached by ClinVar (database versions not stated): gnomAD 0.00003; TOPMed 0.00015; gnomAD exomes 0.00020; ExAC 0.00038.
gnomAD v4.1: 125 of 1,601,736 alleles (0.0078%); highest among the groups gnomAD compares: Admixed American, 0.21%; no homozygotes.

Submission:

PreventionGenetics, part of Exact Sciences
Classification: Likely benign for BLTP1-related condition. Last evaluated: 2019-11-04. Review status: no assertion criteria provided. Collection method: clinical testing. Allele origin: germline.
Comment: This variant is classified as likely benign based on ACMG/AMP sequence variant interpretation guidelines (Richards et al. 2015 PMID: 25741868, with internal and published modifications).

NM_001384125.1(BLTP1):c.14589T>C (p.Asn4863=)

Gene: BLTP1 (bridge-like lipid transfer protein family member 1; plus strand). Cytogenetic location: 4q27.
Variant type: single nucleotide variant.
Coding change: c.14589T>C on transcript NM_001384125.1 (MANE Select); coding-DNA position 14589, T replaced by C.
Protein change: p.Asn4863=; no amino-acid change (asparagine 4863 retained).
Molecular consequence: synonymous variant.
Genome position (GRCh38, 1-based): chr4:122,355,815, T>C. VCF-style: chr4-122355815-T-C. GRCh37 (hg19) VCF-style: chr4-123276970-T-C.
Other names: c.14325T>C, p.Asn4775= (NM_015312.4).
Identifiers: ClinVar variation 3045483 (VCV003045483.2), dbSNP rs764994456, ClinGen allele CA3068375.
Genomic context (GRCh38, chr4:122,355,815, plus strand): 5'-ATTGTTTTAATTTGACTCTCTCTTTATCATTATGCATGTAGAGCTAAATCTGCTTCGTAA[T>C]GTTGATGCTAACAACACTGAGAATAGCACTACTGTGAAGAATTCTAGTTTGTTGAGTGGA-3'
Protein context (NP_001371054.1, residues 4853-4873): TRNEELNLLR[Asn4863=]VDANNTENST